The following is an entry in ClinVar:

ClinVar aggregate classification (germline): Conflicting classifications of pathogenicity. Review status: criteria provided, conflicting classifications (1 of 4 stars). 5 submissions from 5 submitters: Uncertain significance (1); Likely benign (3). 1 of the submissions does not count toward it. Last evaluated 2026-03-17.

Conditions:
ALMS1-related disorder. Also called: ALMS1-related condition.
Cardiovascular phenotype. Identifiers: MedGen CN230736.
Alstrom syndrome (ALMS). Identifiers: Orphanet 64, MedGen C0268425, MONDO:0008763, OMIM 203800.

Allele frequency attached by ClinVar (database versions not stated): gnomAD 0.00003 and 0.00009; gnomAD exomes 0.00013 and 0.00027; 1000 Genomes Project 0.00020; 1000 Genomes Project 30x 0.00031; ExAC 0.00031.
gnomAD v4.1: 205 of 1,613,378 alleles (0.013%); highest among the groups gnomAD compares: South Asian, 0.21%; 1 homozygote.

Submissions (5):

Ambry Genetics
Classification: Likely benign for Cardiovascular phenotype. Last evaluated: 2026-03-17. Review status: criteria provided, single submitter. Criteria: Ambry Variant Classification Scheme 2023. Collection method: clinical testing. Allele origin: germline.

Labcorp Genetics (formerly Invitae), Labcorp
Classification: Likely benign for Alstrom syndrome. Last evaluated: 2026-01-10. Review status: criteria provided, single submitter. Criteria: Invitae Variant Classification Sherloc (09022015). Collection method: clinical testing. Allele origin: germline.

Blueprint Genetics
Classification: Likely benign. Last evaluated: 2024-09-05. Review status: criteria provided, single submitter. Criteria: ACMG Guidelines, 2015. Collection method: clinical testing. Allele origin: germline.

PreventionGenetics, part of Exact Sciences
Classification: Uncertain significance for ALMS1-related condition. Last evaluated: 2023-04-19. Review status: criteria provided, single submitter. Criteria: ACMG Guidelines, 2015. Collection method: clinical testing. Allele origin: germline.
Comment: The ALMS1 c.2125A>G variant is predicted to result in the amino acid substitution p.Thr709Ala. To our knowledge, this variant has not been reported in the literature. This variant is reported in 0.0056% of alleles in individuals of East Asian descent in gnomAD. At this time, the clinical significance of this variant is uncertain due to the absence of conclusive functional and genetic evidence.

Natera, Inc.
Classification: Likely benign for Alstrom syndrome. Last evaluated: 2020-09-16. Review status: no assertion criteria provided. Collection method: clinical testing. Allele origin: germline. Not counted in ClinVar's aggregate classification.

NM_001378454.1(ALMS1):c.2122A>G (p.Thr708Ala)

Gene: ALMS1 (ALMS1 centrosome and basal body associated protein; plus strand). Cytogenetic location: 2p13.1.
Variant type: single nucleotide variant.
Coding change: c.2122A>G on transcript NM_001378454.1 (MANE Select); coding-DNA position 2122, A replaced by G.
Protein change: p.Thr708Ala; replaces threonine 708 with alanine.
Molecular consequence: missense variant.
Genome position (GRCh38, 1-based): chr2:73,448,649, A>G. VCF-style: chr2-73448649-A-G. GRCh37 (hg19) VCF-style: chr2-73675776-A-G.
Other names: c.2125A>G, p.Thr709Ala (NM_015120.4); short protein forms T709A, T708A.
Identifiers: ClinVar variation 700349 (VCV000700349.16), dbSNP rs571389435, ClinGen allele CA1713280.